The following is an entry in ClinVar:

NM_024685.4(BBS10):c.1336T>C (p.Phe446Leu)

Gene: BBS10 (Bardet-Biedl syndrome 10; minus strand). Cytogenetic location: 12q21.2.
Variant type: single nucleotide variant.
Coding change: c.1336T>C on transcript NM_024685.4 (MANE Select); coding-DNA position 1336, T replaced by C.
Protein change: p.Phe446Leu; replaces phenylalanine 446 with leucine.
Molecular consequence: missense variant.
Genome position (GRCh38, 1-based): chr12:76,346,649, A>G on the plus strand (T>C on the coding strand, the complement: BBS10 is on the minus strand). VCF-style: chr12-76346649-A-G. GRCh37 (hg19) VCF-style: chr12-76740429-A-G.
Other names: short protein forms F446L.
Identifiers: ClinVar variation 1999543 (VCV001999543.4), dbSNP rs1331549514, ClinGen allele CA385811447.
Genomic context (GRCh38, chr12:76,346,649, plus strand): 5'-GTATTGAGCCATTACCAGGATCTGGTGCTTGATAACTTTCTCCACTGTTCTTATAAATAA[A>G]AAGACTTGAAGTGCCATTTTGGTCATTGGTTTGTGTCATGTAATTTAGATCAAGGTCTTT-3'
Protein context (NP_078961.3, residues 436-456): TNDQNGTSSL[Phe446Leu]IYKNSGESYQ

ClinVar aggregate classification (germline): Uncertain significance (1 of 4 stars; one submission).

Conditions:
Bardet-Biedl syndrome (BBS). Identifiers: Orphanet 110, MedGen C0752166, MONDO:0015229.

Allele frequency attached by ClinVar (database versions not stated): TOPMed 0.00001.

Submission:

Labcorp Genetics (formerly Invitae), Labcorp
Classification: Uncertain significance for Bardet-Biedl syndrome. Last evaluated: 2022-05-27. Review status: criteria provided, single submitter. Criteria: Invitae Variant Classification Sherloc (09022015). Collection method: clinical testing. Allele origin: germline.
Comment: In summary, the available evidence is currently insufficient to determine the role of this variant in disease. Therefore, it has been classified as a Variant of Uncertain Significance. Algorithms developed to predict the effect of missense changes on protein structure and function output the following: SIFT: "Tolerated"; PolyPhen-2: "Benign"; Align-GVGD: "Class C0". The leucine amino acid residue is found in multiple mammalian species, which suggests that this missense change does not adversely affect protein function. This variant has not been reported in the literature in individuals affected with BBS10-related conditions. This variant is present in population databases (no rsID available, gnomAD 0.0009%). This sequence change replaces phenylalanine, which is neutral and non-polar, with leucine, which is neutral and non-polar, at codon 446 of the BBS10 protein (p.Phe446Leu).